The following is an entry in ClinVar:

NM_138927.4(SON):c.4640ATA[1] (p.Asn1548del)

Gene: SON (SON DNA and RNA binding protein; plus strand). Cytogenetic location: 21q22.11.
Variant type: Microsatellite.
Coding change: c.4640ATA[1] on transcript NM_138927.4 (MANE Select); one copy of the 3-base unit ATA starting at c.4640; the reference has two copies in a row; one copy, 3 bases deleted.
Protein change: p.Asn1548del; deletes asparagine 1548.
Molecular consequence: inframe deletion. On other transcripts: non-coding transcript variant (1), intron variant (1).
Genome position (GRCh38, 1-based): chr21:33,553,874-33,553,876, ATA deleted; deleting any 3 consecutive bases within chr21:33,553,871-33,553,876 gives the same sequence; the position shown is the placement nearest the transcript's 3' end. VCF-style (leftmost placement, unchanged base first): chr21-33553870-CATA-C. GRCh37 (hg19) VCF-style: chr21-34926176-CATA-C.
Other names: c.4640ATA[1], p.Asn1548del (NM_001291411.2, NM_032195.3); c.245-3282_245-3280del (NM_001291412.3); short protein forms N1548del.
Identifiers: ClinVar variation 4735587 (VCV004735587.1).

ClinVar aggregate classification (germline): Uncertain significance (1 of 4 stars; one submission).

Submission:

Labcorp Genetics (formerly Invitae), Labcorp
Classification: Uncertain significance. Last evaluated: 2026-01-18. Review status: criteria provided, single submitter. Criteria: Invitae Variant Classification Sherloc (09022015). Collection method: clinical testing. Allele origin: germline.
Comment: This variant, c.4643_4645del, results in the deletion of 1 amino acid(s) of the SON protein (p.Asn1548del), but otherwise preserves the integrity of the reading frame. This variant is not present in population databases (gnomAD no frequency). This variant has not been reported in the literature in individuals affected with SON-related conditions. Experimental studies and prediction algorithms are not available or were not evaluated, and the functional significance of this variant is currently unknown. In summary, the available evidence is currently insufficient to determine the role of this variant in disease. Therefore, it has been classified as a Variant of Uncertain Significance.